The following is an entry in ClinVar:

NM_130839.5(UBE3A):c.2246del (p.Pro749fs)

Genes: SNHG14 (small nucleolar RNA host gene 14; plus strand), UBE3A (ubiquitin protein ligase E3A; minus strand). Cytogenetic location: 15q11.2.
Variant type: Deletion.
Coding change: c.2246del on transcript NM_130839.5 (MANE Select); coding-DNA position 2246, one base deleted (C; older notation c.2246delC).
Protein change: p.Pro749fs; shifts the reading frame from proline 749.
Molecular consequence: frameshift variant. On other transcripts: non-coding transcript variant (1), intron variant (3).
Genome position (GRCh38, 1-based): chr15:25,354,562, G deleted on the plus strand (C on the coding strand, the reverse complement: UBE3A is on the minus strand); the first of 2 consecutive G bases (chr15:25,354,562-25,354,563); deleting either gives the same sequence. VCF-style (leftmost placement, unchanged base first): chr15-25354561-TG-T. GRCh37 (hg19) VCF-style: chr15-25599708-TG-T.
Other names: c.2255del, p.Pro752fs (NM_000462.5); c.2246del, p.Pro749fs (NM_001354505.1, NM_001354538.2); c.2186del, p.Pro729fs (NM_001354506.2, NM_001354507.2, NM_001354508.2 and 14 more transcripts); c.2069del, p.Pro690fs (NM_001354546.2); c.2021del, p.Pro674fs (NM_001354549.2); c.995del, p.Pro332fs (NM_001354550.2); c.935del, p.Pro312fs (NM_001354551.2); c.2065-136del (NM_001354548.2, NM_001354547.2); and 1 more; short protein forms P674fs, P729fs, P752fs, P690fs, P312fs, P332fs, P749fs.
Identifiers: ClinVar variation 155969 (VCV000155969.1), dbSNP rs587781218, ClinGen allele CA333342.

ClinVar aggregate classification (germline): Pathogenic (0 of 4 stars; one submission).

Conditions:
Angelman syndrome (AS). Also called: HAPPY PUPPET SYNDROME. Identifiers: Orphanet 72, MedGen C0162635, MONDO:0007113, OMIM 105830. Disease mechanism: loss of function. Inheritance: AS is caused by disruption of maternally imprinted UBE3A located within the 15q11.2-q13 Angelman syndrome/Prader-Willi syndrome (AS/PWS) region., imprinting disorder.

Submission:

Baylor Genetics
Classification: Pathogenic for Angelman Syndrome. Last evaluated: 2014-02-14. Review status: no assertion criteria provided. Collection method: clinical testing. Allele origin: germline. Affected: yes. Observed: 1 variant allele. Study: UBE3A Mutation Study.
Comment: Data collected from clinical UBE3A sequence analysis results

Literature cited by the submitters: PubMed 25212744.